The following is an entry in ClinVar:

ClinVar aggregate classification (germline): Pathogenic (1 of 4 stars; one submission).

Conditions:
Oculocutaneous albinism type 6 (OCA6). Also called: Albinism, oculocutaneous, type VI. Identifiers: Orphanet 370097, MedGen C3805375, MONDO:0018264, OMIM 113750.

Submission:

Department of Paediatric Medicine, Post Graduation Institute of Medical Education and Research
Classification: Pathogenic for Oculocutaneous albinism type 6. Last evaluated: 2023-03-01. Review status: criteria provided, single submitter. Criteria: ACMG Guidelines, 2015. Collection method: clinical testing. Allele origin: inherited. Inheritance: Autosomal recessive inheritance. Affected: no. Observed: 1 variant allele, 1 heterozygote.
Comment: PVS1: null variant (nonsense, frameshift, canonical +- 2 splice sites, initiation codon, single or multiexon deletion) in a gene where LOF is a known mechanism of disease PM2: Absent from controls (or at extremely low frequency if recessive) in Exome Sequencing Project, 1000 Genomes Project, or Exome Aggregation Consortium PP3: Multiple lines of computational evidence support a deleterious effect on the gene or gene product (conservation, evolutionary, splicing impact, etc.)

NM_205850.3(SLC24A5):c.494C>G (p.Ser165Ter)

Genes: MYEF2 (myelin expression factor 2; minus strand), SLC24A5 (solute carrier family 24 member 5; plus strand). Cytogenetic location: 15q21.1.
Variant type: single nucleotide variant.
Coding change: c.494C>G on transcript NM_205850.3 (MANE Select); coding-DNA position 494, C replaced by G.
Protein change: p.Ser165Ter; replaces serine 165 with a stop codon.
Molecular consequence: nonsense. On other transcripts: 3 prime UTR variant (2).
Genome position (GRCh38, 1-based): chr15:48,134,888, C>G. VCF-style: chr15-48134888-C-G. GRCh37 (hg19) VCF-style: chr15-48427085-C-G.
Other names: c.*8020G>C (NM_001301210.2, NM_016132.5); short protein forms S165*.
Identifiers: ClinVar variation 2431038 (VCV002431038.2), dbSNP rs2504597755, ClinGen allele CA392450435.